The following is an entry in ClinVar:

NM_000038.6(APC):c.7381T>C (p.Ser2461Pro)

Gene: APC (APC regulator of Wnt signaling pathway; plus strand). Cytogenetic location: 5q22.2.
Variant type: single nucleotide variant.
Coding change: c.7381T>C on transcript NM_000038.6 (MANE Select); coding-DNA position 7381, T replaced by C.
Protein change: p.Ser2461Pro; replaces serine 2461 with proline.
Molecular consequence: missense variant. On other transcripts: non-coding transcript variant (2).
Genome position (GRCh38, 1-based): chr5:112,842,975, T>C. VCF-style: chr5-112842975-T-C. GRCh37 (hg19) VCF-style: chr5-112178672-T-C.
Other names: c.7381T>C, p.Ser2461Pro (NM_001127510.3, NM_001354895.2, NM_001407450.1); c.7327T>C, p.Ser2443Pro (NM_001127511.3); c.7435T>C, p.Ser2479Pro (NM_001354896.2, NM_001407447.1, NM_001407448.1 and 1 more transcripts); c.7411T>C, p.Ser2471Pro (NM_001354897.2); c.7306T>C, p.Ser2436Pro (NM_001354898.2); c.7297T>C, p.Ser2433Pro (NM_001354899.2); c.7258T>C, p.Ser2420Pro (NM_001354900.2); c.7204T>C, p.Ser2402Pro (NM_001354901.2, NM_001407453.1); and 11 more; short protein forms S2178P, S2360P, S2420P, S2433P, S2443P, S2471P, S2301P, S2332P.
Identifiers: ClinVar variation 4582782 (VCV004582782.1).

ClinVar aggregate classification (germline): Uncertain significance (1 of 4 stars; one submission).

Conditions:
Hereditary cancer-predisposing syndrome. Also called: Neoplastic Syndromes, Hereditary; Tumor predisposition; Hereditary Cancer Syndrome; Hereditary neoplastic syndrome. Identifiers: Orphanet 140162, MedGen C0027672, MeSH D009386, MONDO:0015356.

Submission:

Ambry Genetics
Classification: Uncertain significance for Hereditary cancer-predisposing syndrome. Last evaluated: 2025-10-11. Review status: criteria provided, single submitter. Criteria: Ambry Variant Classification Scheme 2023. Collection method: clinical testing. Allele origin: germline.
Comment: The p.S2461P variant (also known as c.7381T>C), located in coding exon 15 of the APC gene, results from a T to C substitution at nucleotide position 7381. The serine at codon 2461 is replaced by proline, an amino acid with similar properties. This amino acid position is conserved. In addition, in silico predictors for this gene do not accurately predict pathogenicity. Based on the available evidence, the clinical significance of this variant remains unclear.